The following is an entry in ClinVar:

ClinVar aggregate classification (germline): Uncertain significance (1 of 4 stars; one submission).

Conditions:
Primary ciliary dyskinesia. Also called: Ciliary dyskinesia. Identifiers: Orphanet 244, MedGen C0008780, MONDO:0016575, HP:0012265.

Allele frequency attached by ClinVar (database versions not stated): gnomAD exomes below 0.00001; TOPMed 0.00001.
gnomAD v4.1: 2 of 1,595,410 alleles (0.00013%); highest among the groups gnomAD compares: Admixed American, 0.0017%; no homozygotes.

Submission:

Labcorp Genetics (formerly Invitae), Labcorp
Classification: Uncertain significance for Primary ciliary dyskinesia. Last evaluated: 2023-02-03. Review status: criteria provided, single submitter. Criteria: Invitae Variant Classification Sherloc (09022015). Collection method: clinical testing. Allele origin: germline.
Comment: This sequence change replaces asparagine, which is neutral and polar, with aspartic acid, which is acidic and polar, at codon 3071 of the DNAH8 protein (p.Asn3071Asp). This variant is present in population databases (no rsID available, gnomAD 0.003%). This variant has not been reported in the literature in individuals affected with DNAH8-related conditions. Algorithms developed to predict the effect of missense changes on protein structure and function are either unavailable or do not agree on the potential impact of this missense change (SIFT: "Deleterious"; PolyPhen-2: "Not Available"; Align-GVGD: "Class C15"). In summary, the available evidence is currently insufficient to determine the role of this variant in disease. Therefore, it has been classified as a Variant of Uncertain Significance.

NM_001206927.2(DNAH8):c.9211A>G (p.Asn3071Asp)

Gene: DNAH8 (dynein axonemal heavy chain 8; plus strand). Cytogenetic location: 6p21.2.
Variant type: single nucleotide variant.
Coding change: c.9211A>G on transcript NM_001206927.2 (MANE Select); coding-DNA position 9211, A replaced by G.
Protein change: p.Asn3071Asp; replaces asparagine 3071 with aspartic acid.
Molecular consequence: missense variant.
Genome position (GRCh38, 1-based): chr6:38,906,270, A>G. VCF-style: chr6-38906270-A-G. GRCh37 (hg19) VCF-style: chr6-38874046-A-G.
Other names: c.8560A>G, p.Asn2854Asp (NM_001371.4); short protein forms N2854D, N3071D.
Identifiers: ClinVar variation 2729473 (VCV002729473.3), dbSNP rs1212760869, ClinGen allele CA364001198.